The following is an entry in ClinVar:

ClinVar aggregate classification (germline): Uncertain significance (1 of 4 stars; one submission).

Submission:

Labcorp Genetics (formerly Invitae), Labcorp
Classification: Uncertain significance. Last evaluated: 2023-03-04. Review status: criteria provided, single submitter. Criteria: Invitae Variant Classification Sherloc (09022015). Collection method: clinical testing. Allele origin: germline.
Comment: In summary, the available evidence is currently insufficient to determine the role of this variant in disease. Therefore, it has been classified as a Variant of Uncertain Significance. Algorithms developed to predict the effect of missense changes on protein structure and function output the following: SIFT: "Not Available"; PolyPhen-2: "Probably Damaging"; Align-GVGD: "Not Available". The leucine amino acid residue is found in multiple mammalian species, which suggests that this missense change does not adversely affect protein function. This variant has not been reported in the literature in individuals affected with MFAP5-related conditions. This variant is not present in population databases (gnomAD no frequency). This sequence change replaces proline, which is neutral and non-polar, with leucine, which is neutral and non-polar, at codon 170 of the MFAP5 protein (p.Pro170Leu).

NM_003480.4(MFAP5):c.509C>T (p.Pro170Leu)

Genes: MFAP5 (microfibril associated protein 5; minus strand), LOC126861443 (BRD4-independent group 4 enhancer GRCh37_chr12:8800473-8801672; plus strand). Cytogenetic location: 12p13.31.
Variant type: single nucleotide variant.
Coding change: c.509C>T on transcript NM_003480.4 (MANE Select); coding-DNA position 509, C replaced by T.
Protein change: p.Pro170Leu; replaces proline 170 with leucine.
Molecular consequence: missense variant. On other transcripts: non-coding transcript variant (2).
Genome position (GRCh38, 1-based): chr12:8,648,104, G>A on the plus strand (C>T on the coding strand, the complement: MFAP5 is on the minus strand). VCF-style: chr12-8648104-G-A. GRCh37 (hg19) VCF-style: chr12-8800700-G-A.
Other names: c.479C>T, p.Pro160Leu (NM_001297709.2); c.443C>T, p.Pro148Leu (NM_001297710.2); c.434C>T, p.Pro145Leu (NM_001297711.2); c.317C>T, p.Pro106Leu (NM_001297712.2); short protein forms P170L, P106L, P148L, P145L, P160L.
Identifiers: ClinVar variation 2843039 (VCV002843039.3), dbSNP rs1441586150, ClinGen allele CA384038596.
Genomic context (GRCh38, chr12:8,648,104, plus strand): 5'-CCTTCCTCTCACCCATACATTTTTTCTTCTTTCCTCTTTTTCAATGATCACAGACCATTG[G>A]GTCTCTGCAAATCCACATTTTCACAGGGAGGAAGTCGGAAGTAATTGGAGCGACGGAGTC-3'
Protein context (NP_003471.1, residues 160-173): PPCENVDLQR[Pro170Leu]NGL